The following is an entry in ClinVar:

NM_001127671.2(LIFR):c.1937C>A (p.Thr646Asn)

Gene: LIFR (LIF receptor subunit alpha; minus strand). Cytogenetic location: 5p13.1.
Variant type: single nucleotide variant.
Coding change: c.1937C>A on transcript NM_001127671.2 (MANE Select); coding-DNA position 1937, C replaced by A.
Protein change: p.Thr646Asn; replaces threonine 646 with asparagine.
Molecular consequence: missense variant.
Genome position (GRCh38, 1-based): chr5:38,493,734, G>T on the plus strand (C>A on the coding strand, the complement: LIFR is on the minus strand). VCF-style: chr5-38493734-G-T. GRCh37 (hg19) VCF-style: chr5-38493836-G-T.
Other names: c.1937C>A, p.Thr646Asn (NM_001364297.2, NM_001364298.2, NM_002310.6); short protein forms T646N.
Identifiers: ClinVar variation 235543 (VCV000235543.45), dbSNP rs79040751, ClinGen allele CA3242800.

ClinVar aggregate classification (germline): Benign/Likely benign. Review status: criteria provided, multiple submitters, no conflicts (2 of 4 stars). 14 submissions from 14 submitters: Benign (8); Likely benign (3). 3 of the submissions do not count toward it. Last evaluated 2026-05-01.

Conditions:
Stüve-Wiedemann syndrome 1. Also called: STUVE-WIEDEMANN/SCHWARTZ-JAMPEL TYPE 2 SYNDROME. Identifiers: Orphanet 3206, MedGen C5676888, MONDO:0800043, OMIM 601559.
LIFR-related disorder. Also called: LIFR-related condition.
Connective tissue disorder. Also called: Connective tissue disease. Identifiers: MedGen C0009782, MONDO:0003900.
Congenital anomaly of kidney and urinary tract. Also called: Congenital anomalies of the kidney and urinary tract; Congenital anomalies of kidney and urinary tract. Identifiers: Orphanet 93545, MedGen C1968949, MeSH C566906, MONDO:0019719.
Stuve-Wiedemann syndrome (STWS). Also called: Stüve-Wiedemann syndrome. Identifiers: Orphanet 3206, MedGen C0796176, MONDO:0031280.

Allele frequency attached by ClinVar (database versions not stated): ExAC 0.00231; 1000 Genomes Project 30x 0.00718; 1000 Genomes Project 0.00719; gnomAD 0.00812 and 0.00875; ESP Exome Variant Server 0.00846; TOPMed 0.00962.
gnomAD v4.1: 2,669 of 1,614,082 alleles (0.17%); highest among the groups gnomAD compares: African/African-American, 2.7%; 20 homozygotes.

Submissions (14):

CeGaT Center for Human Genetics Tuebingen
Classification: Likely benign. Last evaluated: 2026-05-01. Review status: criteria provided, single submitter. Criteria: CeGaT Center For Human Genetics Tuebingen Variant Classification Criteria Version 2. Collection method: clinical testing. Allele origin: germline. Affected: yes. Observed: 1 variant allele.
Comment: LIFR: BP4

Labcorp Genetics (formerly Invitae), Labcorp
Classification: Benign. Last evaluated: 2026-01-28. Review status: criteria provided, single submitter. Criteria: Invitae Variant Classification Sherloc (09022015). Collection method: clinical testing. Allele origin: germline.

Blueprint Genetics
Classification: Likely benign. Last evaluated: 2024-11-21. Review status: criteria provided, single submitter. Criteria: ACMG Guidelines, 2015. Collection method: clinical testing. Allele origin: germline.

ARUP Laboratories, Molecular Genetics and Genomics, ARUP Laboratories
Classification: Benign for Stüve-Wiedemann syndrome 1. Last evaluated: 2023-11-29. Review status: criteria provided, single submitter. Criteria: ARUP Molecular Germline Variant Investigation Process 2024. Collection method: clinical testing. Allele origin: germline.

Laboratory for Molecular Medicine, Mass General Brigham Personalized Medicine
Classification: Benign. Last evaluated: 2023-11-13. Review status: criteria provided, single submitter. Criteria: ACMG Guidelines, 2015. Collection method: clinical testing. Allele origin: germline.
Comment: The p.Thr646Asn variant in LIFR is classified as benign because it has been identified in 2.7% (1118/41434) of African chromosomes, including 5 homozygotes by gnomAD (v.3.1.2). ACMG/AMP Criteria applied: BA1.

Women's Health and Genetics/Laboratory Corporation of America, LabCorp
Classification: Benign. Last evaluated: 2023-02-13. Review status: criteria provided, single submitter. Criteria: LabCorp Variant Classification Summary - May 2015. Collection method: clinical testing. Allele origin: germline.
Comment: Variant summary: LIFR c.1937C>A (p.Thr646Asn) results in a non-conservative amino acid change in the encoded protein sequence. Four of five in-silico tools predict a benign effect of the variant on protein function. The variant allele was found at a frequency of 0.0021 in 251466 control chromosomes, predominantly at a frequency of 0.026 within the African or African-American subpopulation in the gnomAD database, including 3 homozygotes. The observed variant frequency within African or African-American control individuals in the gnomAD database is approximately 23 fold of the estimated maximal expected allele frequency for a pathogenic variant in LIFR causing Stuve-Wiedemann Syndrome phenotype (0.0011), strongly suggesting that the variant is a benign polymorphism found primarily in populations of African or African-American origin. To our knowledge, no occurrence of c.1937C>A in individuals affected with Stuve-Wiedemann Syndrome and no experimental evidence demonstrating its impact on protein function have been reported. Nine clinical diagnostic laboratories have submitted clinical-significance assessments for this variant to ClinVar after 2014 without evidence for independent evaluation (likely pathogenic n=1, benign/likely benign n=8). Based on the evidence outlined above, the variant was classified as benign.

Genome Diagnostics Laboratory, The Hospital for Sick Children
Classification: Benign for Connective tissue disorder. Last evaluated: 2022-02-10. Review status: criteria provided, single submitter. Criteria: ACMG Guidelines, 2015. Collection method: clinical testing. Allele origin: germline.

GeneDx
Classification: Benign. Last evaluated: 2019-05-28. Review status: criteria provided, single submitter. Criteria: GeneDx Variant Classification Process June 2021. Collection method: clinical testing. Allele origin: germline. Affected: yes.
Comment: This variant is associated with the following publications: (PMID: 28334964)

Eurofins Ntd Llc (ga)
Classification: Benign. Last evaluated: 2018-06-29. Review status: criteria provided, single submitter. Criteria: EGL ClinVar v180209 classification definitions. Collection method: clinical testing. Allele origin: germline. Observed: 1 variant allele, 1 heterozygote.

Illumina Laboratory Services, Illumina
Classification: Benign for Stüve-Wiedemann syndrome 1. Last evaluated: 2018-01-13. Review status: criteria provided, single submitter. Criteria: ICSL Variant Classification Criteria 13 December 2019. Collection method: clinical testing. Allele origin: germline.
Comment: This variant was observed in the ICSL laboratory as part of a predisposition screen in an ostensibly healthy population. It had not been previously curated by ICSL or reported in the Human Gene Mutation Database (HGMD: prior to June 1st, 2018), and was therefore a candidate for classification through an automated scoring system. Utilizing variant allele frequency, disease prevalence and penetrance estimates, and inheritance mode, an automated score was calculated to assess if this variant is too frequent to cause the disease. Based on the score and internal cut-off values, a variant classified as benign is not then subjected to further curation. The score for this variant resulted in a classification of benign for this disease.

Center for Pediatric Genomic Medicine, Children's Mercy Hospital and Clinics
Classification: Likely benign. Last evaluated: 2015-06-12. Review status: criteria provided, single submitter. Criteria: ACMG Guidelines, 2015. Collection method: clinical testing. Allele origin: germline.
ClinVar note: Converted during submission from Likely Benign to Likely benign.

Weber Lab, Hannover Medical School
Classification: Uncertain significance for Congenital anomaly of kidney and urinary tract. Last evaluated: 2024-02-15. Review status: no assertion criteria provided. Criteria: "ACMG Guidelines, 2015". Collection method: research. Allele origin: germline. Affected: yes. Not counted in ClinVar's aggregate classification.

Natera, Inc.
Classification: Benign for Stuve-Wiedemann syndrome. Last evaluated: 2019-11-15. Review status: no assertion criteria provided. Collection method: clinical testing. Allele origin: germline. Not counted in ClinVar's aggregate classification.

PreventionGenetics, part of Exact Sciences
Classification: Likely benign for LIFR-related condition. Last evaluated: 2019-06-04. Review status: no assertion criteria provided. Collection method: clinical testing. Allele origin: germline. Not counted in ClinVar's aggregate classification.
Comment: This variant is classified as likely benign based on ACMG/AMP sequence variant interpretation guidelines (Richards et al. 2015 PMID: 25741868, with internal and published modifications).

Literature cited by the submitters: PubMed 28334964 (cited by Weber Lab, Hannover Medical School).